The following is an entry in ClinVar:

ClinVar aggregate classification (germline): Uncertain significance (1 of 4 stars; one submission).

Conditions:
Hereditary cancer-predisposing syndrome. Also called: Neoplastic Syndromes, Hereditary; Hereditary Cancer Syndrome; Tumor predisposition; Hereditary neoplastic syndrome. Identifiers: Orphanet 140162, MedGen C0027672, MeSH D009386, MONDO:0015356.

Submission:

Ambry Genetics
Classification: Uncertain significance for Hereditary cancer-predisposing syndrome. Last evaluated: 2025-03-07. Review status: criteria provided, single submitter. Criteria: Ambry Variant Classification Scheme 2023. Collection method: clinical testing. Allele origin: germline.
Comment: The p.K148E variant (also known as c.442A>G), located in coding exon 4 of the RAD50 gene, results from an A to G substitution at nucleotide position 442. The lysine at codon 148 is replaced by glutamic acid, an amino acid with similar properties. This amino acid position is conserved. In addition, this alteration is predicted to be tolerated by in silico analysis. Based on the available evidence, the clinical significance of this variant remains unclear.

NM_005732.4(RAD50):c.442A>G (p.Lys148Glu)

Gene: RAD50 (RAD50 double strand break repair protein; plus strand). Cytogenetic location: 5q31.1.
Variant type: single nucleotide variant.
Coding change: c.442A>G on transcript NM_005732.4 (MANE Select); coding-DNA position 442, A replaced by G.
Protein change: p.Lys148Glu; replaces lysine 148 with glutamic acid.
Molecular consequence: missense variant.
Genome position (GRCh38, 1-based): chr5:132,579,393, A>G. VCF-style: chr5-132579393-A-G. GRCh37 (hg19) VCF-style: chr5-131915085-A-G.
Other names: short protein forms K148E.
Identifiers: ClinVar variation 3786324 (VCV003786324.1).